The following is an entry in ClinVar:

ClinVar aggregate classification (germline): Uncertain significance. Review status: criteria provided, multiple submitters, no conflicts (2 of 4 stars). 3 submissions from 3 submitters: Uncertain significance (3). Last evaluated 2025-10-07.

Conditions:
Inborn genetic diseases. Identifiers: MedGen C0950123, MeSH D030342.

Allele frequency attached by ClinVar (database versions not stated): gnomAD 0.00003 and 0.00002; gnomAD exomes 0.00006; TOPMed 0.00003; ExAC 0.00016.
gnomAD v4.1: 49 of 1,583,182 alleles (0.0031%); highest among the groups gnomAD compares: Middle Eastern, 0.095%; no homozygotes.

Submissions (3):

Ambry Genetics
Classification: Uncertain significance for Inborn genetic diseases. Last evaluated: 2025-10-07. Review status: criteria provided, single submitter. Criteria: Ambry Variant Classification Scheme 2023. Collection method: clinical testing. Allele origin: germline.

GeneDx
Classification: Uncertain significance. Last evaluated: 2024-10-24. Review status: criteria provided, single submitter. Criteria: GeneDx Variant Classification Process June 2021. Collection method: clinical testing. Allele origin: germline. Affected: yes.
Comment: In silico analysis indicates that this missense variant does not alter protein structure/function; Has not been previously published as pathogenic or benign to our knowledge

Labcorp Genetics (formerly Invitae), Labcorp
Classification: Uncertain significance. Last evaluated: 2024-01-24. Review status: criteria provided, single submitter. Criteria: Invitae Variant Classification Sherloc (09022015). Collection method: clinical testing. Allele origin: germline.
Comment: This sequence change replaces glutamic acid, which is acidic and polar, with aspartic acid, which is acidic and polar, at codon 130 of the TELO2 protein (p.Glu130Asp). This variant is present in population databases (rs760420846, gnomAD 0.01%). This variant has not been reported in the literature in individuals affected with TELO2-related conditions. ClinVar contains an entry for this variant (Variation ID: 1006179). Advanced modeling of protein sequence and biophysical properties (such as structural, functional, and spatial information, amino acid conservation, physicochemical variation, residue mobility, and thermodynamic stability) performed at Invitae indicates that this missense variant is not expected to disrupt TELO2 protein function with a negative predictive value of 80%. In summary, the available evidence is currently insufficient to determine the role of this variant in disease. Therefore, it has been classified as a Variant of Uncertain Significance.

NM_016111.4(TELO2):c.390G>C (p.Glu130Asp)

Gene: TELO2 (telomere maintenance 2; plus strand). Cytogenetic location: 16p13.3.
Variant type: single nucleotide variant.
Coding change: c.390G>C on transcript NM_016111.4 (MANE Select); coding-DNA position 390, G replaced by C.
Protein change: p.Glu130Asp; replaces glutamic acid 130 with aspartic acid.
Molecular consequence: missense variant.
Genome position (GRCh38, 1-based): chr16:1,495,400, G>C. VCF-style: chr16-1495400-G-C. GRCh37 (hg19) VCF-style: chr16-1545401-G-C.
Other names: c.390G>C (NM_016111.3); c.390G>C, p.Glu130Asp (NM_001351846.2); short protein forms E130D.
Identifiers: ClinVar variation 1006179 (VCV001006179.9), dbSNP rs760420846, ClinGen allele CA7811623.